The following is an entry in ClinVar:

ClinVar aggregate classification (germline): Conflicting classifications of pathogenicity. Review status: criteria provided, conflicting classifications (1 of 4 stars). 4 submissions from 4 submitters: Uncertain significance (3); Benign (1). Last evaluated 2025-09-09.

Conditions:
Hereditary cancer-predisposing syndrome. Also called: Tumor predisposition; Hereditary Cancer Syndrome; Neoplastic Syndromes, Hereditary; Hereditary neoplastic syndrome. Identifiers: Orphanet 140162, MedGen C0027672, MeSH D009386, MONDO:0015356.
Familial adenomatous polyposis 2. Also called: MYH-associated polyposis; FAP type 2; ADENOMAS, MULTIPLE COLORECTAL, AUTOSOMAL RECESSIVE; MUTYH Polyposis; MUTYH-associated polyposis; MUTYH-related attenuated familial adenomatous polyposis. Identifiers: Orphanet 220460, Orphanet 247798, MedGen C3272841, MONDO:0012041, OMIM 608456.

Submissions (4):

Ambry Genetics
Classification: Benign for Hereditary cancer-predisposing syndrome. Last evaluated: 2025-09-09. Review status: criteria provided, single submitter. Criteria: Ambry Variant Classification Scheme 2023. Collection method: clinical testing. Allele origin: germline.

Labcorp Genetics (formerly Invitae), Labcorp
Classification: Uncertain significance for Familial adenomatous polyposis 2. Last evaluated: 2025-09-08. Review status: criteria provided, single submitter. Criteria: Invitae Variant Classification Sherloc (09022015). Collection method: clinical testing. Allele origin: germline.
Comment: This sequence change replaces lysine, which is basic and polar, with glutamic acid, which is acidic and polar, at codon 418 of the MUTYH protein (p.Lys418Glu). This variant is present in population databases (no rsID available, gnomAD 0.0009%). This variant has not been reported in the literature in individuals affected with MUTYH-related conditions. ClinVar contains an entry for this variant (Variation ID: 220836). An algorithm developed to predict the effect of missense changes on protein structure and function outputs the following: PolyPhen-2: "Benign". The glutamic acid amino acid residue is found in multiple mammalian species, which suggests that this missense change does not adversely affect protein function. In summary, the available evidence is currently insufficient to determine the role of this variant in disease. Therefore, it has been classified as a Variant of Uncertain Significance.

Color Diagnostics, LLC DBA Color Health
Classification: Uncertain significance for Hereditary cancer-predisposing syndrome. Last evaluated: 2024-03-06. Review status: criteria provided, single submitter. Criteria: ACMG Guidelines, 2015. Collection method: clinical testing. Allele origin: germline.
Comment: This missense variant replaces lysine with glutamic acid at codon 418 of the MUTYH protein. Computational prediction suggests that this variant may not impact protein structure and function (internally defined REVEL score threshold <= 0.5, PMID: 27666373). To our knowledge, functional studies have not been reported for this variant. This variant has not been reported in individuals affected with MUTYH-related disorders in the literature. This variant has not been identified in the general population by the Genome Aggregation Database (gnomAD). The available evidence is insufficient to determine the role of this variant in disease conclusively. Therefore, this variant is classified as a Variant of Uncertain Significance.

All of Us Research Program, National Institutes of Health
Classification: Uncertain significance for Familial adenomatous polyposis 2. Last evaluated: 2023-04-03. Review status: criteria provided, single submitter. Criteria: ACMG Guidelines, 2015. Collection method: clinical testing. Allele origin: germline. Inheritance: Autosomal recessive inheritance. Observed: 1 variant allele, 1 heterozygote.
Comment: This missense variant replaces lysine with glutamic acid at codon 418 of the MUTYH protein. Computational prediction suggests that this variant may not impact protein structure and function (internally defined REVEL score threshold <= 0.5, PMID: 27666373). To our knowledge, functional studies have not been reported for this variant. This variant has not been reported in individuals affected with MUTYH-related disorders in the literature. This variant has not been identified in the general population by the Genome Aggregation Database (gnomAD). The available evidence is insufficient to determine the role of this variant in disease conclusively. Therefore, this variant is classified as a Variant of Uncertain Significance.

This study involves interpretation of variants in research participants for the purpose of population health screening. Participant phenotype was not available at the time of variant classification. Additional details can be found in publication PMID: 35346344, PMCID: PMC8962531

NM_001048174.2(MUTYH):c.1168A>G (p.Lys390Glu)

Gene: MUTYH (mutY DNA glycosylase; minus strand). Cytogenetic location: 1p34.1.
Variant type: single nucleotide variant.
Coding change: c.1168A>G on transcript NM_001048174.2 (MANE Select); coding-DNA position 1168, A replaced by G.
Protein change: p.Lys390Glu; replaces lysine 390 with glutamic acid.
Molecular consequence: missense variant. On other transcripts: non-coding transcript variant (2).
Genome position (GRCh38, 1-based): chr1:45,331,491, T>C on the plus strand (A>G on the coding strand, the complement: MUTYH is on the minus strand). VCF-style: chr1-45331491-T-C. GRCh37 (hg19) VCF-style: chr1-45797163-T-C.
Other names: c.1168A>G, p.Lys390Glu (NM_001048171.2, NM_001048173.2, NM_001293195.2); c.1171A>G, p.Lys391Glu (NM_001048172.2); c.1252A>G, p.Lys418Glu (NM_001128425.2); c.1213A>G, p.Lys405Glu (NM_001293190.2); c.1201A>G, p.Lys401Glu (NM_001293191.2); c.892A>G, p.Lys298Glu (NM_001293192.2, NM_001293196.2); c.823A>G, p.Lys275Glu (NM_001350650.2, NM_001350651.2); c.1243A>G, p.Lys415Glu (NM_012222.3); short protein forms K418E, K391E, K405E, K275E, K298E, K401E, K415E, K390E.
Identifiers: ClinVar variation 220836 (VCV000220836.18), dbSNP rs864622671, ClinGen allele CA350276.
Genomic context (GRCh38, chr1:45,331,491, plus strand): 5'-GCCGGAGGTGCGTGGCTGGGAGGGGCCCAGCCCAACGCTGTAGTTCCTGCAGCAGGGCCT[T>C]GCGCTGAAGCTGCTCTGAGGGCTCCCAGGTCACGGACGGGAACTCCCACAGTCCTGCCAG-3'
Protein context (NP_001041639.1, residues 380-400): TWEPSEQLQR[Lys390Glu]ALLQELQRWA